The following is an entry in ClinVar:

NM_022041.4(GAN):c.1593T>A (p.Val531=)

Gene: GAN (gigaxonin; plus strand). Cytogenetic location: 16q23.2.
Variant type: single nucleotide variant.
Coding change: c.1593T>A on transcript NM_022041.4 (MANE Select); coding-DNA position 1593, T replaced by A.
Protein change: p.Val531=; no amino-acid change (valine 531 retained).
Molecular consequence: synonymous variant.
Genome position (GRCh38, 1-based): chr16:81,377,309, T>A. VCF-style: chr16-81377309-T-A. GRCh37 (hg19) VCF-style: chr16-81410914-T-A.
Other names: c.954T>A, p.Val318= (NM_001377486.1).
Identifiers: ClinVar variation 507036 (VCV000507036.9), dbSNP rs141592516, ClinGen allele CA8191815.

ClinVar aggregate classification (germline): Likely benign. Review status: criteria provided, multiple submitters, no conflicts (2 of 4 stars). 2 submissions from 2 submitters: Likely benign (2). Last evaluated 2025-07-21.

Conditions:
Giant axonal neuropathy 1 (GAN1). Also called: GIANT AXONAL NEUROPATHY 1, AUTOSOMAL RECESSIVE; GAN-Related Neurodegeneration. Identifiers: Orphanet 643, MedGen C1850386, MONDO:0009749, OMIM 256850.

Allele frequency attached by ClinVar (database versions not stated): TOPMed 0.00002.
gnomAD v4.1: 76 of 1,599,970 alleles (0.0048%); highest among the groups gnomAD compares: Non-Finnish European, 0.0061%; no homozygotes.

Submissions (2):

Labcorp Genetics (formerly Invitae), Labcorp
Classification: Likely benign for Giant axonal neuropathy 1. Last evaluated: 2025-07-21. Review status: criteria provided, single submitter. Criteria: Invitae Variant Classification Sherloc (09022015). Collection method: clinical testing. Allele origin: germline.

GeneDx
Classification: Likely benign. Last evaluated: 2017-01-26. Review status: criteria provided, single submitter. Criteria: GeneDx Variant Classification (06012015). Collection method: clinical testing. Allele origin: germline. Affected: yes.
Comment: This variant is considered likely benign or benign based on one or more of the following criteria: it is a conservative change, it occurs at a poorly conserved position in the protein, it is predicted to be benign by multiple in silico algorithms, and/or has population frequency not consistent with disease.